The following is an entry in ClinVar:

NM_000237.3(LPL):c.877T>C (p.Ser293Pro)

Gene: LPL (lipoprotein lipase; plus strand). Cytogenetic location: 8p21.3.
Variant type: single nucleotide variant.
Coding change: c.877T>C on transcript NM_000237.3 (MANE Select); coding-DNA position 877, T replaced by C.
Protein change: p.Ser293Pro; replaces serine 293 with proline.
Molecular consequence: missense variant.
Genome position (GRCh38, 1-based): chr8:19,955,942, T>C. VCF-style: chr8-19955942-T-C. GRCh37 (hg19) VCF-style: chr8-19813453-T-C.
Other names: c.877T>C (NM_000237.2); short protein forms S293P.
Identifiers: ClinVar variation 1684866 (VCV001684866.2), dbSNP rs1274915423, ClinGen allele CA370469149.

ClinVar aggregate classification (germline): Uncertain significance. Review status: criteria provided, multiple submitters, no conflicts (2 of 4 stars). 2 submissions from 2 submitters: Uncertain significance (2). Last evaluated 2026-08-04.

Conditions:
LPL-related disorder. Also called: LPL-related condition.

Allele frequency attached by ClinVar (database versions not stated): TOPMed below 0.00001; gnomAD exomes 0.00001.
gnomAD v4.1: 3 of 1,614,148 alleles (0.00019%); highest among the groups gnomAD compares: Non-Finnish European, 0.00025%; no homozygotes.

Submissions (2):

PreventionGenetics, part of Exact Sciences
Classification: Uncertain significance for LPL-related condition. Last evaluated: 2026-08-04. Review status: criteria provided, single submitter. Criteria: ACMG Guidelines, 2015. Collection method: clinical testing. Allele origin: germline.
Comment: The LPL c.877T>C variant is predicted to result in the amino acid substitution p.Ser293Pro. This variant also described using legacy nomenclature as p.Ser266Pro, has been reported in individuals with lipoprotein lipase deficiency (Murthy et al. 1996. PubMed ID: 8843465; Rodrigues et al. 2015. PubMed ID: 27055971). This variant has not been reported in a large population database (gnomAD), indicating this variant is rare. At this time, the clinical significance of this variant is uncertain due to the absence of conclusive functional and genetic evidence.

Mendelics
Classification: Uncertain significance. Last evaluated: 2022-05-04. Review status: criteria provided, single submitter. Criteria: Mendelics Assertion Criteria 2019. Collection method: clinical testing. Allele origin: germline.